The following is an entry in ClinVar:

ClinVar aggregate classification (germline): Uncertain significance (1 of 4 stars; one submission).

Conditions:
Joubert syndrome. Also called: CEREBELLOPARENCHYMAL DISORDER IV; JOUBERT-BOLTSHAUSER SYNDROME; Familial aplasia of the vermis. Identifiers: Orphanet 475, MedGen C5979921, MONDO:0018772.

Submission:

Labcorp Genetics (formerly Invitae), Labcorp
Classification: Uncertain significance for Joubert syndrome. Last evaluated: 2022-07-18. Review status: criteria provided, single submitter. Criteria: Invitae Variant Classification Sherloc (09022015). Collection method: clinical testing. Allele origin: germline.
Comment: This variant is not present in population databases (gnomAD no frequency). This sequence change replaces tyrosine, which is neutral and polar, with histidine, which is basic and polar, at codon 334 of the AHI1 protein (p.Tyr334His). In summary, the available evidence is currently insufficient to determine the role of this variant in disease. Therefore, it has been classified as a Variant of Uncertain Significance. Advanced modeling of protein sequence and biophysical properties (such as structural, functional, and spatial information, amino acid conservation, physicochemical variation, residue mobility, and thermodynamic stability) performed at Invitae indicates that this missense variant is not expected to disrupt AHI1 protein function. This variant has not been reported in the literature in individuals affected with AHI1-related conditions.

NM_001134831.2(AHI1):c.1000T>C (p.Tyr334His)

Gene: AHI1 (Abelson helper integration site 1; minus strand). Cytogenetic location: 6q23.3.
Variant type: single nucleotide variant.
Coding change: c.1000T>C on transcript NM_001134831.2 (MANE Select); coding-DNA position 1000, T replaced by C.
Protein change: p.Tyr334His; replaces tyrosine 334 with histidine.
Molecular consequence: missense variant.
Genome position (GRCh38, 1-based): chr6:135,457,645, A>G on the plus strand (T>C on the coding strand, the complement: AHI1 is on the minus strand). VCF-style: chr6-135457645-A-G. GRCh37 (hg19) VCF-style: chr6-135778783-A-G.
Other names: c.1000T>C, p.Tyr334His (NM_001134830.2, NM_001134832.2, NM_001350503.2 and 2 more transcripts); short protein forms Y334H.
Identifiers: ClinVar variation 2109435 (VCV002109435.4), dbSNP rs2484907249, ClinGen allele CA365747903.